The following is an entry in ClinVar:

ClinVar aggregate classification (germline): Pathogenic. Review status: criteria provided, multiple submitters, no conflicts (2 of 4 stars). 2 submissions from 2 submitters: Pathogenic (2). Last evaluated 2025-04-08.

Conditions:
Hereditary spastic paraplegia 4. Also called: Spastic paraplegia 4, autosomal dominant; Familial spastic paraplegia autosomal dominant 2; Spastic Paraplegia 4. Identifiers: Orphanet 100985, MedGen C1866855, MONDO:0008438, OMIM 182601.

Submissions (2):

Athena Diagnostics
Classification: Pathogenic. Last evaluated: 2025-04-08. Review status: criteria provided, single submitter. Criteria: Athena Diagnostics Criteria. Collection method: clinical testing. Allele origin: unknown.
Comment: This variant is expected to result in the loss of a functional protein. This variant has not been reported in large, multi-ethnic general populations. This variant has been identified in at least one individual with clinical features associated with this gene.

Labcorp Genetics (formerly Invitae), Labcorp
Classification: Pathogenic for Hereditary spastic paraplegia 4. Last evaluated: 2021-11-27. Review status: criteria provided, single submitter. Criteria: Invitae Variant Classification Sherloc (09022015). Collection method: clinical testing. Allele origin: germline.
Comment: ClinVar contains an entry for this variant (Variation ID: 468574). For these reasons, this variant has been classified as Pathogenic. This variant has not been reported in the literature in individuals affected with SPAST-related conditions. This variant is not present in population databases (gnomAD no frequency). This sequence change creates a premature translational stop signal (p.Pro4Glyfs*43) in the SPAST gene. It is expected to result in an absent or disrupted protein product. Loss-of-function variants in SPAST are known to be pathogenic (PMID: 20932283).

Literature cited by the submitters: PubMed 20932283 (cited by Labcorp Genetics (formerly Invitae), Labcorp).

NM_014946.4(SPAST):c.6_7del (p.Pro4fs)

Gene: SPAST (spastin; plus strand). Cytogenetic location: 2p22.3.
Variant type: Deletion.
Coding change: c.6_7del on transcript NM_014946.4 (MANE Select); coding-DNA positions 6 to 7, 2 bases deleted (TT; older notation c.6_7delTT).
Protein change: p.Pro4fs; shifts the reading frame from proline 4.
Molecular consequence: frameshift variant.
Genome position (GRCh38, 1-based): chr2:32,063,837-32,063,838, TT deleted. VCF-style (leftmost placement, unchanged base first): chr2-32063836-ATT-A. GRCh37 (hg19) VCF-style: chr2-32288905-ATT-A.
Other names: c.6_7del, p.Pro4fs (NM_001363823.2, NM_001363875.2, NM_001377959.1 and 1 more transcripts); c.6_7delTT (NM_014946.3); c.6_7del (NM_014946.3); short protein forms P4fs.
Identifiers: ClinVar variation 468574 (VCV000468574.7), dbSNP rs1553394366, ClinGen allele CA658657013.